The following is an entry in ClinVar:

ClinVar aggregate classification (germline): Uncertain significance (1 of 4 stars; one submission).

Conditions:
Familial thoracic aortic aneurysm and aortic dissection (TAAD). Also called: Thoracic aortic aneurysms and dissections. Identifiers: Orphanet 91387, MedGen C4707243, MONDO:0019625.

Submission:

Labcorp Genetics (formerly Invitae), Labcorp
Classification: Uncertain significance for Familial thoracic aortic aneurysm and aortic dissection. Last evaluated: 2018-04-17. Review status: criteria provided, single submitter. Criteria: Invitae Variant Classification Sherloc (09022015). Collection method: clinical testing. Allele origin: germline.
Comment: This variant has not been reported in the literature in individuals with TGFBR2-related disease. In summary, the available evidence is currently insufficient to determine the role of this variant in disease. Therefore, it has been classified as a Variant of Uncertain Significance. Algorithms developed to predict the effect of missense changes on protein structure and function do not agree on the potential impact of this missense change (SIFT: "Deleterious"; PolyPhen-2: "Probably Damaging"; Align-GVGD: "Class C0"). This variant is not present in population databases (ExAC no frequency). This sequence change replaces proline with arginine at codon 498 of the TGFBR2 protein (p.Pro498Arg). The proline residue is highly conserved and there is a moderate physicochemical difference between proline and arginine.

NM_003242.6(TGFBR2):c.1493C>G (p.Pro498Arg)

Gene: TGFBR2 (transforming growth factor beta receptor 2; plus strand). Cytogenetic location: 3p24.1.
Variant type: single nucleotide variant.
Coding change: c.1493C>G on transcript NM_003242.6 (MANE Select); coding-DNA position 1493, C replaced by G.
Protein change: p.Pro498Arg; replaces proline 498 with arginine.
Molecular consequence: missense variant.
Genome position (GRCh38, 1-based): chr3:30,688,480, C>G. VCF-style: chr3-30688480-C-G. GRCh37 (hg19) VCF-style: chr3-30729972-C-G.
Other names: c.1568C>G, p.Pro523Arg (NM_001024847.3); c.1676C>G, p.Pro559Arg (NM_001407126.1); c.1601C>G, p.Pro534Arg (NM_001407127.1); c.1520C>G, p.Pro507Arg (NM_001407128.1); c.1496C>G, p.Pro499Arg (NM_001407129.1); c.1490C>G, p.Pro497Arg (NM_001407130.1); c.1388C>G, p.Pro463Arg (NM_001407132.1, NM_001407133.1, NM_001407134.1 and 2 more transcripts); c.1208C>G, p.Pro403Arg (NM_001407137.1); and 2 more; short protein forms P498R, P523R, P208R, P499R, P534R, P403R, P559R, P497R.
Identifiers: ClinVar variation 1047784 (VCV001047784.6), dbSNP rs1699661646, ClinGen allele CA351809395.